The following is an entry in ClinVar:

NM_002857.4(PEX19):c.397C>G (p.Leu133Val)

Gene: PEX19 (peroxisomal biogenesis factor 19; minus strand). Cytogenetic location: 1q23.2.
Variant type: single nucleotide variant.
Coding change: c.397C>G on transcript NM_002857.4 (MANE Select); coding-DNA position 397, C replaced by G.
Protein change: p.Leu133Val; replaces leucine 133 with valine.
Molecular consequence: missense variant. On other transcripts: non-coding transcript variant (1).
Genome position (GRCh38, 1-based): chr1:160,282,452, G>C on the plus strand (C>G on the coding strand, the complement: PEX19 is on the minus strand). VCF-style: chr1-160282452-G-C. GRCh37 (hg19) VCF-style: chr1-160252242-G-C.
Other names: c.397C>G, p.Leu133Val (NM_001193644.1); short protein forms L133V.
Identifiers: ClinVar variation 2051151 (VCV002051151.4), dbSNP rs146321212, ClinGen allele CA31524880.

ClinVar aggregate classification (germline): Uncertain significance (1 of 4 stars; one submission).

Conditions:
Peroxisome biogenesis disorder 12A (Zellweger). Also called: Peroxisome biogenesis disorder 12A. Identifiers: Orphanet 912, MedGen C3554002, MONDO:0013951, OMIM 614886.

gnomAD v4.1: 3 of 1,614,126 alleles (0.00019%); highest among the groups gnomAD compares: Non-Finnish European, 0.00025%; no homozygotes.

Submission:

Labcorp Genetics (formerly Invitae), Labcorp
Classification: Uncertain significance for Peroxisome biogenesis disorder 12A (Zellweger). Last evaluated: 2022-05-03. Review status: criteria provided, single submitter. Criteria: Invitae Variant Classification Sherloc (09022015). Collection method: clinical testing. Allele origin: germline.
Comment: In summary, the available evidence is currently insufficient to determine the role of this variant in disease. Therefore, it has been classified as a Variant of Uncertain Significance. Algorithms developed to predict the effect of sequence changes on RNA splicing suggest that this variant may disrupt the consensus splice site. Algorithms developed to predict the effect of missense changes on protein structure and function (SIFT, PolyPhen-2, Align-GVGD) all suggest that this variant is likely to be disruptive. This variant has not been reported in the literature in individuals affected with PEX19-related conditions. This variant is present in population databases (no rsID available, gnomAD 0.002%). This sequence change replaces leucine, which is neutral and non-polar, with valine, which is neutral and non-polar, at codon 133 of the PEX19 protein (p.Leu133Val).